The following is an entry in ClinVar:

NM_002528.7(NTHL1):c.116-7T>C

Gene: NTHL1 (nth like DNA glycosylase 1; minus strand). Cytogenetic location: 16p13.3.
Variant type: single nucleotide variant.
Coding change: c.116-7T>C on transcript NM_002528.7 (MANE Select); 7 bases into the intron before coding-DNA position 116, T replaced by C.
Molecular consequence: intron variant.
Genome position (GRCh38, 1-based): chr16:2,046,373, A>G on the plus strand (T>C on the coding strand, the complement: NTHL1 is on the minus strand). VCF-style: chr16-2046373-A-G. GRCh37 (hg19) VCF-style: chr16-2096374-A-G.
Other names: c.-63-7T>C (NM_001318194.2); c.116-7T>C (NM_001318193.2).
Identifiers: ClinVar variation 2747519 (VCV002747519.3), dbSNP rs2548321913, ClinGen allele CA2697549537.

ClinVar aggregate classification (germline): Uncertain significance (1 of 4 stars; one submission).

Submission:

Labcorp Genetics (formerly Invitae), Labcorp
Classification: Uncertain significance. Last evaluated: 2023-07-28. Review status: criteria provided, single submitter. Criteria: Invitae Variant Classification Sherloc (09022015). Collection method: clinical testing. Allele origin: germline.
Comment: In summary, the available evidence is currently insufficient to determine the role of this variant in disease. Therefore, it has been classified as a Variant of Uncertain Significance. Algorithms developed to predict the effect of sequence changes on RNA splicing suggest that this variant may disrupt the consensus splice site. This variant has not been reported in the literature in individuals affected with NTHL1-related conditions. This variant is not present in population databases (gnomAD no frequency). This sequence change falls in intron 1 of the NTHL1 gene. It does not directly change the encoded amino acid sequence of the NTHL1 protein.